The following is an entry in ClinVar:

ClinVar aggregate classification (germline): Uncertain significance (1 of 4 stars; one submission).

gnomAD v4.1: 29 of 1,612,942 alleles (0.0018%); highest among the groups gnomAD compares: South Asian, 0.018%; no homozygotes.

Submission:

GeneDx
Classification: Uncertain significance. Last evaluated: 2024-06-17. Review status: criteria provided, single submitter. Criteria: GeneDx Variant Classification Process June 2021. Collection method: clinical testing. Allele origin: germline. Affected: yes.
Comment: Not observed at significant frequency in large population cohorts (gnomAD); In silico analysis indicates that this missense variant does not alter protein structure/function; Has not been previously published as pathogenic or benign to our knowledge

NM_001039141.3(TRIOBP):c.2810T>C (p.Ile937Thr)

Gene: TRIOBP (TRIO and F-actin binding protein; plus strand). Cytogenetic location: 22q13.1.
Variant type: single nucleotide variant.
Coding change: c.2810T>C on transcript NM_001039141.3 (MANE Select); coding-DNA position 2810, T replaced by C.
Protein change: p.Ile937Thr; replaces isoleucine 937 with threonine.
Molecular consequence: missense variant.
Genome position (GRCh38, 1-based): chr22:37,725,366, T>C. VCF-style: chr22-37725366-T-C. GRCh37 (hg19) VCF-style: chr22-38121373-T-C.
Other names: short protein forms I937T.
Identifiers: ClinVar variation 3391626 (VCV003391626.1).